The following is an entry in ClinVar:

NM_004928.3(CFAP410):c.497C>T (p.Ser166Phe)

Gene: CFAP410 (cilia and flagella associated protein 410; minus strand). Cytogenetic location: 21q22.3.
Variant type: single nucleotide variant.
Coding change: c.497C>T on transcript NM_004928.3 (MANE Select); coding-DNA position 497, C replaced by T.
Protein change: p.Ser166Phe; replaces serine 166 with phenylalanine.
Molecular consequence: missense variant.
Genome position (GRCh38, 1-based): chr21:44,331,891, G>A on the plus strand (C>T on the coding strand, the complement: CFAP410 is on the minus strand). VCF-style: chr21-44331891-G-A. GRCh37 (hg19) VCF-style: chr21-45751774-G-A.
Other names: c.497C>T, p.Ser166Phe (NM_001271440.2, NM_001271441.2); c.374C>T, p.Ser125Phe (NM_001271442.1); short protein forms S166F, S125F.
Identifiers: ClinVar variation 2101921 (VCV002101921.4), dbSNP rs747351700, ClinGen allele CA10053654.
Genomic context (GRCh38, chr21:44,331,891, plus strand): 5'-CTCCAGCCTCACGTTGCCTCCTCCTCGCTGTCCAGCGGGTCCCGGCCAGTCTCAGCAGCG[G>A]AGCTGAGGGAGCTCAGTGTGCAGCATAGCTTGGGGCCGCCGTGGCCTGTGCCCTCTCTCT-3'
Protein context (NP_004919.1, residues 156-176): KLCCTLSSLS[Ser166Phe]AAETGRDPLD

ClinVar aggregate classification (germline): Uncertain significance (1 of 4 stars; one submission).

Allele frequency attached by ClinVar (database versions not stated): gnomAD exomes below 0.00001; ExAC 0.00001.
gnomAD v4.1: 5 of 1,612,910 alleles (0.00031%); highest among the groups gnomAD compares: Non-Finnish European, 0.00042%; no homozygotes.

Submission:

Labcorp Genetics (formerly Invitae), Labcorp
Classification: Uncertain significance. Last evaluated: 2024-11-05. Review status: criteria provided, single submitter. Criteria: Invitae Variant Classification Sherloc (09022015). Collection method: clinical testing. Allele origin: germline.
Comment: This sequence change replaces serine, which is neutral and polar, with phenylalanine, which is neutral and non-polar, at codon 166 of the CFAP410 protein (p.Ser166Phe). This variant is present in population databases (rs747351700, gnomAD 0.002%). This variant has not been reported in the literature in individuals affected with CFAP410-related conditions. ClinVar contains an entry for this variant (Variation ID: 2101921). Invitae Evidence Modeling of protein sequence and biophysical properties (such as structural, functional, and spatial information, amino acid conservation, physicochemical variation, residue mobility, and thermodynamic stability) indicates that this missense variant is not expected to disrupt CFAP410 protein function with a negative predictive value of 80%. In summary, the available evidence is currently insufficient to determine the role of this variant in disease. Therefore, it has been classified as a Variant of Uncertain Significance.